The following is an entry in ClinVar:

ClinVar aggregate classification (germline): Uncertain significance. Review status: criteria provided, multiple submitters, no conflicts (2 of 4 stars). 2 submissions from 2 submitters: Uncertain significance (2). Last evaluated 2026-01-08.

Conditions:
Hereditary cancer-predisposing syndrome. Also called: Neoplastic Syndromes, Hereditary; Hereditary neoplastic syndrome; Tumor predisposition; Hereditary Cancer Syndrome. Identifiers: Orphanet 140162, MedGen C0027672, MeSH D009386, MONDO:0015356.
Medulloblastoma (MDB). Also called: Medulloblastoma, somatic; MEDULLOBLASTOMA PREDISPOSITION SYNDROME. Identifiers: Orphanet 616, MedGen C0025149, MeSH D008527, MONDO:0007959, OMIM 155255, HP:0002885.
Gorlin syndrome. Also called: Nevoid Basal Cell Carcinoma Syndrome; Basal cell nevus syndrome. Identifiers: Orphanet 377, MedGen C0004779, MONDO:0007187.

gnomAD v4.1: 1 of 1,614,000 alleles (0.000062%); highest among the groups gnomAD compares: African/African-American, 0.0013%; no homozygotes.

Submissions (2):

Labcorp Genetics (formerly Invitae), Labcorp
Classification: Uncertain significance for Gorlin syndrome; Medulloblastoma. Last evaluated: 2026-01-08. Review status: criteria provided, single submitter. Criteria: Invitae Variant Classification Sherloc (09022015). Collection method: clinical testing. Allele origin: germline.
Comment: This sequence change replaces leucine, which is neutral and non-polar, with proline, which is neutral and non-polar, at codon 316 of the SUFU protein (p.Leu316Pro). This variant is not present in population databases (gnomAD no frequency). This variant has not been reported in the literature in individuals affected with SUFU-related conditions. ClinVar contains an entry for this variant (Variation ID: 3323530). Invitae Evidence Modeling of protein sequence and biophysical properties (such as structural, functional, and spatial information, amino acid conservation, physicochemical variation, residue mobility, and thermodynamic stability) indicates that this missense variant is not expected to disrupt SUFU protein function with a negative predictive value of 80%. In summary, the available evidence is currently insufficient to determine the role of this variant in disease. Therefore, it has been classified as a Variant of Uncertain Significance.

Ambry Genetics
Classification: Uncertain significance for Hereditary cancer-predisposing syndrome. Last evaluated: 2024-04-04. Review status: criteria provided, single submitter. Criteria: Ambry Variant Classification Scheme 2023. Collection method: clinical testing. Allele origin: germline.
Comment: The p.L316P variant (also known as c.947T>C), located in coding exon 8 of the SUFU gene, results from a T to C substitution at nucleotide position 947. The leucine at codon 316 is replaced by proline, an amino acid with similar properties. This amino acid position is conserved. In addition, the in silico prediction for this alteration is inconclusive. Based on the available evidence, the clinical significance of this variant remains unclear.

NM_016169.4(SUFU):c.947T>C (p.Leu316Pro)

Gene: SUFU (SUFU negative regulator of hedgehog signaling; plus strand). Cytogenetic location: 10q24.32.
Variant type: single nucleotide variant.
Coding change: c.947T>C on transcript NM_016169.4 (MANE Select); coding-DNA position 947, T replaced by C.
Protein change: p.Leu316Pro; replaces leucine 316 with proline.
Molecular consequence: missense variant.
Genome position (GRCh38, 1-based): chr10:102,599,469, T>C. VCF-style: chr10-102599469-T-C. GRCh37 (hg19) VCF-style: chr10-104359226-T-C.
Other names: c.947T>C, p.Leu316Pro (NM_001178133.2); short protein forms L316P.
Identifiers: ClinVar variation 3323530 (VCV003323530.2).
Genomic context (GRCh38, chr10:102,599,469, plus strand): 5'-GGCAACTTAGTGGTGTCGTTGCAGACACAGAGCAGATCCGGGAGACCCTGAGGAGAGGAC[T>C]CGAGATCAACAGCAAACCTGTCCTTCCACCAATCAACCCTCAGCGGCAGAATGGCCTCGC-3'
Protein context (NP_057253.2, residues 306-326): EQIRETLRRG[Leu316Pro]EINSKPVLPP